The following is an entry in ClinVar:

ClinVar aggregate classification (germline): Uncertain significance. Review status: criteria provided, multiple submitters, no conflicts (2 of 4 stars). 2 submissions from 2 submitters: Uncertain significance (2). Last evaluated 2025-09-22.

Conditions:
RPGRIP1L-related disorder. Also called: RPGRIP1L-related condition; RPGRIP1L-related disorders. Identifiers: MedGen CN239416.
Inborn genetic diseases. Identifiers: MedGen C0950123, MeSH D030342.

Submissions (2):

PreventionGenetics, part of Exact Sciences
Classification: Uncertain significance for RPGRIP1L-related condition. Last evaluated: 2025-09-22. Review status: criteria provided, single submitter. Criteria: ACMG Guidelines, 2015. Collection method: clinical testing. Allele origin: germline.
Comment: The RPGRIP1L c.3272C>T variant is predicted to result in the amino acid substitution p.Pro1091Leu. To our knowledge, this variant has not been reported in the literature. This variant is reported in 0.00088% of alleles in individuals of European (Non-Finnish) descent in gnomAD. At this time, the clinical significance of this variant is uncertain due to the absence of conclusive functional and genetic evidence.

Ambry Genetics
Classification: Uncertain significance for Inborn genetic diseases. Last evaluated: 2025-07-02. Review status: criteria provided, single submitter. Criteria: Ambry Variant Classification Scheme 2023. Collection method: clinical testing. Allele origin: germline.

NM_015272.5(RPGRIP1L):c.3272C>T (p.Pro1091Leu)

Gene: RPGRIP1L (RPGRIP1 like; minus strand). Cytogenetic location: 16q12.2.
Variant type: single nucleotide variant.
Coding change: c.3272C>T on transcript NM_015272.5 (MANE Select); coding-DNA position 3272, C replaced by T.
Protein change: p.Pro1091Leu; replaces proline 1091 with leucine.
Molecular consequence: missense variant.
Genome position (GRCh38, 1-based): chr16:53,636,461, G>A on the plus strand (C>T on the coding strand, the complement: RPGRIP1L is on the minus strand). VCF-style: chr16-53636461-G-A. GRCh37 (hg19) VCF-style: chr16-53670373-G-A.
Other names: c.3272C>T (NM_015272.4); c.3170C>T, p.Pro1057Leu (NM_001127897.4, NM_001330538.2); c.3272C>T, p.Pro1091Leu (NM_001308334.3); short protein forms P1091L, P1057L.
Identifiers: ClinVar variation 4156449 (VCV004156449.2).